The following is an entry in ClinVar:

NM_001267550.2(TTN):c.27124G>A (p.Val9042Ile)

Gene: TTN (titin; minus strand). Cytogenetic location: 2q31.2.
Variant type: single nucleotide variant.
Coding change: c.27124G>A on transcript NM_001267550.2 (MANE Select); coding-DNA position 27124, G replaced by A.
Protein change: p.Val9042Ile; replaces valine 9042 with isoleucine.
Molecular consequence: missense variant. On other transcripts: intron variant (3).
Genome position (GRCh38, 1-based): chr2:178,712,901, C>T on the plus strand (G>A on the coding strand, the complement: TTN is on the minus strand). VCF-style: chr2-178712901-C-T. GRCh37 (hg19) VCF-style: chr2-179577628-C-T.
Other names: c.26173G>A, p.Val8725Ile (NM_001256850.1); c.23392G>A, p.Val7798Ile (NM_133378.4); c.13282+25181G>A (NM_003319.4); c.13858+25181G>A (NM_133437.4); c.13657+25181G>A (NM_133432.3); short protein forms V7798I, V9042I, V8725I.
Identifiers: ClinVar variation 893339 (VCV000893339.6), dbSNP rs766095051, ClinGen allele CA1999862.

ClinVar aggregate classification (germline): Conflicting classifications of pathogenicity. Review status: criteria provided, conflicting classifications (1 of 4 stars). 6 submissions from 2 submitters: Uncertain significance (3); Benign (2); Likely benign (1). Last evaluated 2020-07-01.

Conditions:
Early-onset myopathy with fatal cardiomyopathy (CMYO5). Also called: CONGENITAL MYOPATHY 5 WITH CARDIOMYOPATHY; Salih Myopathy. Identifiers: Orphanet 289377, MedGen C2673677, MONDO:0012714, OMIM 611705. Disease mechanism: loss of function.
Myopathy, myofibrillar, 9, with early respiratory failure (MFM9). Also called: EDSTROM MYOPATHY; MYOPATHY, PROXIMAL, WITH EARLY RESPIRATORY MUSCLE INVOLVEMENT; Myopathy, distal, with early respiratory failure, autosomal dominant; Hereditary myopathy with early respiratory failure. Identifiers: Orphanet 178464, Orphanet 34521, MedGen C1863599, MONDO:0011362, OMIM 603689.
Autosomal recessive limb-girdle muscular dystrophy type 2J (LGMDR10). Also called: Limb-girdle muscular dystrophy, type 2J; MUSCULAR DYSTROPHY, LIMB-GIRDLE, AUTOSOMAL RECESSIVE 10. Identifiers: Orphanet 140922, MedGen C1837342, MONDO:0012127, OMIM 608807.
Tibial muscular dystrophy (TMD). Also called: Tibial muscular dystrophy, tardive; UDD MYOPATHY; Udd Distal Myopathy – Tibial Muscular Dystrophy. Identifiers: Orphanet 609, MedGen C1838244, MONDO:0010870, OMIM 600334.
Dilated cardiomyopathy 1G (CMD1G). Identifiers: Orphanet 154, MedGen C1858763, MONDO:0011400, OMIM 604145.

Allele frequency attached by ClinVar (database versions not stated): gnomAD exomes 0.00002 and 0.00004; gnomAD 0.00003 and 0.00004; TOPMed 0.00004; ExAC 0.00005.
gnomAD v4.1: 42 of 1,613,310 alleles (0.0026%); highest among the groups gnomAD compares: South Asian, 0.018%; no homozygotes.

Submissions (6):

GeneDx
Classification: Likely benign. Last evaluated: 2020-07-01. Review status: criteria provided, single submitter. Criteria: GeneDx Variant Classification Process June 2021. Collection method: clinical testing. Allele origin: germline. Affected: yes.

Illumina Laboratory Services, Illumina
Classification: Uncertain significance for Autosomal recessive limb-girdle muscular dystrophy type 2J. Last evaluated: 2018-01-12. Review status: criteria provided, single submitter. Criteria: ICSL Variant Classification Criteria 13 December 2019. Collection method: clinical testing. Allele origin: germline.

Illumina Laboratory Services, Illumina
Classification: Uncertain significance for Early-onset myopathy with fatal cardiomyopathy. Last evaluated: 2018-01-12. Review status: criteria provided, single submitter. Criteria: ICSL Variant Classification Criteria 13 December 2019. Collection method: clinical testing. Allele origin: germline.

Illumina Laboratory Services, Illumina
Classification: Benign for Tibial muscular dystrophy. Last evaluated: 2018-01-12. Review status: criteria provided, single submitter. Criteria: ICSL Variant Classification Criteria 13 December 2019. Collection method: clinical testing. Allele origin: germline.
Comment: This variant was observed in the ICSL laboratory as part of a predisposition screen in an ostensibly healthy population. It had not been previously curated by ICSL or reported in the Human Gene Mutation Database (HGMD: prior to June 1st, 2018), and was therefore a candidate for classification through an automated scoring system. Utilizing variant allele frequency, disease prevalence and penetrance estimates, and inheritance mode, an automated score was calculated to assess if this variant is too frequent to cause the disease. Based on the score and internal cut-off values, a variant classified as benign is not then subjected to further curation. The score for this variant resulted in a classification of benign for this disease.

Illumina Laboratory Services, Illumina
Classification: Benign for Myopathy, myofibrillar, 9, with early respiratory failure. Last evaluated: 2018-01-12. Review status: criteria provided, single submitter. Criteria: ICSL Variant Classification Criteria 13 December 2019. Collection method: clinical testing. Allele origin: germline.
Comment: the same text as in the submission from Illumina Laboratory Services, Illumina above.

Illumina Laboratory Services, Illumina
Classification: Uncertain significance for Dilated cardiomyopathy 1G. Last evaluated: 2018-01-12. Review status: criteria provided, single submitter. Criteria: ICSL Variant Classification Criteria 13 December 2019. Collection method: clinical testing. Allele origin: germline.